The following is an entry in ClinVar:

NM_001099922.3(ALG13):c.1747A>G (p.Ile583Val)

Gene: ALG13 (ALG13 UDP-N-acetylglucosaminyltransferase subunit; plus strand). Cytogenetic location: Xq23.
Variant type: single nucleotide variant.
Coding change: c.1747A>G on transcript NM_001099922.3 (MANE Select); coding-DNA position 1747, A replaced by G.
Protein change: p.Ile583Val; replaces isoleucine 583 with valine.
Molecular consequence: missense variant. On other transcripts: non-coding transcript variant (1).
Genome position (GRCh38, 1-based): chrX:111,726,826, A>G. VCF-style: chrX-111726826-A-G. GRCh37 (hg19) VCF-style: chrX-110970054-A-G.
Other names: c.1435A>G, p.Ile479Val (NM_001257230.2, NM_001257234.2, NM_001257237.2); c.1513A>G, p.Ile505Val (NM_001257231.2); c.1747A>G, p.Ile583Val (NM_001324292.2); c.1261A>G, p.Ile421Val (NM_001324293.1); short protein forms I583V, I479V, I421V, I505V.
Identifiers: ClinVar variation 432569 (VCV000432569.13), dbSNP rs377397506, ClinGen allele CA10493755.
Genomic context (GRCh38, chrX:111,726,826, plus strand): 5'-TTGATTATGAAGCTTATTTGCTACCTCTTTGTTTGCCTGAAAGTTATATCAGAGATGGAC[A>G]TAAAGCAACAGAAGAAGATGTTCAAGAAAATTCGAGGGAAAGAAGTTTACATGACTATGG-3'
Protein context (NP_001093392.1, residues 573-593): VPEIVISEMD[Ile583Val]KQQKKMFKKI

ClinVar aggregate classification (germline): Likely benign. Review status: criteria provided, multiple submitters, no conflicts (2 of 4 stars). 2 submissions from 2 submitters: Likely benign (2). Last evaluated 2025-04-21.

Conditions:
Developmental and epileptic encephalopathy, 36 (DEE36). Also called: ALG13-CDG; Congenital disorder of glycosylation, type Is; Epileptic encephalopathy, early infantile, 36. Identifiers: Orphanet 324422, MedGen C4317295, MONDO:0010472, OMIM 300884.

Allele frequency attached by ClinVar (database versions not stated): gnomAD exomes below 0.00001 and 0.00003; ExAC 0.00005; TOPMed 0.00008; gnomAD 0.00011 and 0.00013; ESP Exome Variant Server 0.00012.
gnomAD v4.1: 14 of 1,209,295 alleles (0.0012%); highest among the groups gnomAD compares: African/African-American, 0.025%; no homozygotes.

Submissions (2):

Labcorp Genetics (formerly Invitae), Labcorp
Classification: Likely benign for Developmental and epileptic encephalopathy, 36. Last evaluated: 2025-04-21. Review status: criteria provided, single submitter. Criteria: Invitae Variant Classification Sherloc (09022015). Collection method: clinical testing. Allele origin: germline.

GeneDx
Classification: Likely benign. Last evaluated: 2020-12-14. Review status: criteria provided, single submitter. Criteria: GeneDx Variant Classification Process June 2021. Collection method: clinical testing. Allele origin: germline. Affected: yes.
Comment: In silico analysis, which includes protein predictors and evolutionary conservation, supports that this variant does not alter protein structure/function; Has not been previously published as pathogenic or benign to our knowledge